The following is an entry in ClinVar:

ClinVar aggregate classification (germline): Uncertain significance (1 of 4 stars; one submission).

Conditions:
Intellectual developmental disorder, autosomal dominant 44, with microcephaly. Also called: Micrognathia-recurrent infections-behavioral abnormalities-mild intellectual disability syndrome; TRIO-Related Intellectual Disability. Identifiers: Orphanet 476126, MedGen C4310740, MONDO:0014892, OMIM 617061.

Submission:

Baylor Genetics
Classification: Uncertain significance for Intellectual developmental disorder, autosomal dominant 44, with microcephaly. Last evaluated: 2019-09-19. Review status: criteria provided, single submitter. Criteria: ACMG Guidelines, 2015. Collection method: clinical testing. Allele origin: unknown. Affected: yes.
Comment: This variant was determined to be of uncertain significance according to ACMG Guidelines, 2015 [PMID:25741868].

NM_007118.4(TRIO):c.1577C>T (p.Ala526Val)

Gene: TRIO (trio Rho guanine nucleotide exchange factor; plus strand). Cytogenetic location: 5p15.2.
Variant type: single nucleotide variant.
Coding change: c.1577C>T on transcript NM_007118.4 (MANE Select); coding-DNA position 1577, C replaced by T.
Protein change: p.Ala526Val; replaces alanine 526 with valine.
Molecular consequence: missense variant. On other transcripts: non-coding transcript variant (1).
Genome position (GRCh38, 1-based): chr5:14,316,589, C>T. VCF-style: chr5-14316589-C-T. GRCh37 (hg19) VCF-style: chr5-14316698-C-T.
Other names: short protein forms A526V.
Identifiers: ClinVar variation 1031135 (VCV001031135.1), dbSNP rs1739400348, ClinGen allele CA359227279.